The following is an entry in ClinVar:

NM_024685.4(BBS10):c.39_46del (p.Ala14fs)

Gene: BBS10 (Bardet-Biedl syndrome 10; minus strand). Cytogenetic location: 12q21.2.
Variant type: Deletion.
Coding change: c.39_46del on transcript NM_024685.4 (MANE Select); coding-DNA positions 39 to 46, 8 bases deleted (GGCGTTGC; older notation c.39_46delGGCGTTGC).
Protein change: p.Ala14fs; shifts the reading frame from alanine 14.
Molecular consequence: frameshift variant.
Genome position (GRCh38, 1-based): chr12:76,348,313-76,348,320, GCAACGCC deleted on the plus strand (GGCGTTGC on the coding strand, the reverse complement: BBS10 is on the minus strand); deleting any 8 consecutive bases within chr12:76,348,313-76,348,322 gives the same sequence; the c. name uses the placement nearest the transcript's 3' end. VCF-style (leftmost placement, unchanged base first): chr12-76348312-TGCAACGCC-T. GRCh37 (hg19) VCF-style: chr12-76742092-TGCAACGCC-T.
Other names: c.39_46del, p.Ala14fs (LRG_1255t1); short protein forms A14fs.
Identifiers: ClinVar variation 521411 (VCV000521411.17), dbSNP rs1555202806, ClinGen allele CA658797936.

ClinVar aggregate classification (germline): Pathogenic. Review status: criteria provided, multiple submitters, no conflicts (2 of 4 stars). 4 submissions from 4 submitters: Pathogenic (4). Last evaluated 2024-07-08.

Conditions:
Inborn genetic diseases. Identifiers: MedGen C0950123, MeSH D030342.
Bardet-Biedl syndrome 10 (BBS10). Identifiers: Orphanet 110, MedGen C1859568, MONDO:0014438, OMIM 615987.
Bardet-Biedl syndrome (BBS). Identifiers: Orphanet 110, MedGen C0752166, MONDO:0015229.

Submissions (4):

Natera, Inc.
Classification: Pathogenic for Bardet-Biedl syndrome type 10. Last evaluated: 2024-07-08. Review status: criteria provided, single submitter. Criteria: Natera Variant Classification Schema (03/2026). Collection method: clinical testing. Allele origin: germline.
Comment: The c.39_46delGGCGTTGC variant in BBS10 is a frameshift variant predicted to shift the reading frame beginning at codon 14 and leads to a stop codon 79 codons downstream. This variant is expected to result in nonsense mediated decay, truncation, or a dysfunctional protein product. This variant is rare in the general population with a frequency below the threshold expected for the associated phenotype(s). This variant has been observed in one or more individuals affected with the associated recessive disease, as either homozygous or compound heterozygous with a second variant (PMID: 30335236, 16582908). Given the available evidence, this variant is classified as Pathogenic.

Labcorp Genetics (formerly Invitae), Labcorp
Classification: Pathogenic for Bardet-Biedl syndrome. Last evaluated: 2023-08-04. Review status: criteria provided, single submitter. Criteria: Invitae Variant Classification Sherloc (09022015). Collection method: clinical testing. Allele origin: germline.
Comment: ClinVar contains an entry for this variant (Variation ID: 521411). For these reasons, this variant has been classified as Pathogenic. This variant disrupts a region of the BBS10 protein in which other variant(s) (p.Cys91Leufs*5) have been determined to be pathogenic (PMID: 16582908, 20805367, 27385962). This suggests that this is a clinically significant region of the protein, and that variants that disrupt it are likely to be disease-causing. Experimental studies and prediction algorithms are not available or were not evaluated, and the functional significance of this variant is currently unknown. This premature translational stop signal has been observed in individual(s) with Bardet-Biedl syndrome (PMID: 30335236). This variant is not present in population databases (gnomAD no frequency). This sequence change creates a premature translational stop signal (p.Ala14Glyfs*79) in the BBS10 gene. While this is not anticipated to result in nonsense mediated decay, it is expected to disrupt the last 710 amino acid(s) of the BBS10 protein.

AiLife Diagnostics
Classification: Pathogenic. Last evaluated: 2021-06-16. Review status: criteria provided, single submitter. Criteria: ACMG Guidelines, 2015. Collection method: clinical testing. Allele origin: germline. Affected: yes. Observed: 1 variant allele.

Ambry Genetics
Classification: Pathogenic for Inborn genetic diseases. Last evaluated: 2016-12-05. Review status: criteria provided, single submitter. Criteria: Ambry exome assertion method (8-5-2015). Collection method: clinical testing. Allele origin: germline. Affected: yes. Observed: 1 variant allele.

Literature cited by the submitters: PubMed 30335236 (cited by 3 submitters); PubMed 16582908 (cited by 3 submitters); PubMed 20805367 (cited by Labcorp Genetics (formerly Invitae), Labcorp); PubMed 27385962 (cited by Labcorp Genetics (formerly Invitae), Labcorp).